The following is an entry in ClinVar:

NM_021076.4(NEFH):c.2003C>T (p.Ser668Phe)

Gene: NEFH (neurofilament heavy chain; plus strand). Cytogenetic location: 22q12.2.
Variant type: single nucleotide variant.
Coding change: c.2003C>T on transcript NM_021076.4 (MANE Select); coding-DNA position 2003, C replaced by T.
Protein change: p.Ser668Phe; replaces serine 668 with phenylalanine.
Molecular consequence: missense variant.
Genome position (GRCh38, 1-based): chr22:29,489,643, C>T. VCF-style: chr22-29489643-C-T. GRCh37 (hg19) VCF-style: chr22-29885632-C-T.
Other names: short protein forms S668F.
Identifiers: ClinVar variation 1418051 (VCV001418051.8), dbSNP rs2146400428, ClinGen allele CA411133140.
Genomic context (GRCh38, chr22:29,489,643, plus strand): 5'-CCCCTGAGAAGGCCAAGTCCCCAGAGAAGGAAGAGGCCAAGTCCCCTGAGAAGGCCAAGT[C>T]CCCAGTGAAGGCAGAAGCAAAGTCCCCTGAGAAGGCCAAGTCCCCAGTGAAGGCAGAAGC-3'
Protein context (NP_066554.2, residues 658-678): EEAKSPEKAK[Ser668Phe]PVKAEAKSPE

ClinVar aggregate classification (germline): Uncertain significance (1 of 4 stars; one submission).

Submission:

Labcorp Genetics (formerly Invitae), Labcorp
Classification: Uncertain significance. Last evaluated: 2021-07-25. Review status: criteria provided, single submitter. Criteria: Invitae Variant Classification Sherloc (09022015). Collection method: clinical testing. Allele origin: germline.
Comment: In summary, the available evidence is currently insufficient to determine the role of this variant in disease. Therefore, it has been classified as a Variant of Uncertain Significance. Advanced modeling of protein sequence and biophysical properties (such as structural, functional, and spatial information, amino acid conservation, physicochemical variation, residue mobility, and thermodynamic stability) performed at Invitae indicates that this missense variant is not expected to disrupt NEFH protein function. This variant has not been reported in the literature in individuals affected with NEFH-related conditions. This variant is not present in population databases (ExAC no frequency). This sequence change replaces serine with phenylalanine at codon 668 of the NEFH protein (p.Ser668Phe). The serine residue is highly conserved and there is a large physicochemical difference between serine and phenylalanine.